The following is an entry in ClinVar:

NM_017763.6(RNF43):c.2058C>A (p.Pro686=)

Gene: RNF43 (ring finger protein 43; minus strand). Cytogenetic location: 17q22.
Variant type: single nucleotide variant.
Coding change: c.2058C>A on transcript NM_017763.6 (MANE Select); coding-DNA position 2058, C replaced by A.
Protein change: p.Pro686=; no amino-acid change (proline 686 retained).
Molecular consequence: synonymous variant.
Genome position (GRCh38, 1-based): chr17:58,357,718, G>T on the plus strand (C>A on the coding strand, the complement: RNF43 is on the minus strand). VCF-style: chr17-58357718-G-T. GRCh37 (hg19) VCF-style: chr17-56435079-G-T.
Other names: c.2058C>A, p.Pro686= (NM_001305544.3); c.1677C>A, p.Pro559= (NM_001305545.2).
Identifiers: ClinVar variation 3946824 (VCV003946824.2).

ClinVar aggregate classification (germline): Benign/Likely benign. Review status: criteria provided, multiple submitters, no conflicts (2 of 4 stars). 2 submissions from 2 submitters: Benign (1); Likely benign (1). Last evaluated 2026-07-02.

Conditions:
Sessile serrated polyposis cancer syndrome (SSPCS). Identifiers: Orphanet 157798, MedGen C4310714, MONDO:0014919, OMIM 617108.

Submissions (2):

Myriad Genetics, Inc.
Classification: Benign for Sessile serrated polyposis cancer syndrome. Last evaluated: 2026-07-02. Review status: criteria provided, single submitter. Criteria: Myriad Autosomal Dominant, Autosomal Recessive and X-Linked Classification Criteria (2023). Collection method: clinical testing. Allele origin: unknown.
Comment: This variant is considered benign. This variant is a silent/synonymous amino acid change and it is not expected to impact splicing.

Ambry Genetics
Classification: Likely benign. Last evaluated: 2025-03-22. Review status: criteria provided, single submitter. Criteria: Ambry Variant Classification Scheme 2023. Collection method: clinical testing. Allele origin: germline.